The following is an entry in ClinVar:

ClinVar aggregate classification (germline): Uncertain significance (1 of 4 stars; one submission).

Allele frequency attached by ClinVar (database versions not stated): ExAC 0.00003; gnomAD 0.00005; gnomAD exomes 0.00005; TOPMed 0.00005; ESP Exome Variant Server 0.00015.
gnomAD v4.1: 78 of 1,614,102 alleles (0.0048%); highest among the groups gnomAD compares: Non-Finnish European, 0.0064%; no homozygotes.

Submission:

Labcorp Genetics (formerly Invitae), Labcorp
Classification: Uncertain significance. Last evaluated: 2023-11-18. Review status: criteria provided, single submitter. Criteria: Invitae Variant Classification Sherloc (09022015). Collection method: clinical testing. Allele origin: germline.
Comment: This sequence change replaces arginine, which is basic and polar, with glycine, which is neutral and non-polar, at codon 3796 of the RNF213 protein (p.Arg3796Gly). This variant is present in population databases (rs144458310, gnomAD 0.004%). This variant has not been reported in the literature in individuals affected with RNF213-related conditions. Algorithms developed to predict the effect of missense changes on protein structure and function output the following: SIFT: "Not Available"; PolyPhen-2: "Benign"; Align-GVGD: "Not Available". The glycine amino acid residue is found in multiple mammalian species, which suggests that this missense change does not adversely affect protein function. In summary, the available evidence is currently insufficient to determine the role of this variant in disease. Therefore, it has been classified as a Variant of Uncertain Significance.

NM_001256071.3(RNF213):c.11386A>G (p.Arg3796Gly)

Genes: RNF213 (ring finger protein 213; plus strand), RNF213-AS1 (RNF213 antisense RNA 1; minus strand). Cytogenetic location: 17q25.3.
Variant type: single nucleotide variant.
Coding change: c.11386A>G on transcript NM_001256071.3 (MANE Select); coding-DNA position 11386, A replaced by G.
Protein change: p.Arg3796Gly; replaces arginine 3796 with glycine.
Molecular consequence: missense variant.
Genome position (GRCh38, 1-based): chr17:80,363,132, A>G. VCF-style: chr17-80363132-A-G. GRCh37 (hg19) VCF-style: chr17-78336932-A-G.
Other names: c.11533A>G, p.Arg3845Gly (NM_001410195.1, NM_020914.5); short protein forms R3845G, R3796G.
Identifiers: ClinVar variation 2863291 (VCV002863291.3), dbSNP rs144458310, ClinGen allele CA8821794.